The following is an entry in ClinVar:

NM_001378615.1(CC2D2A):c.1029_1036dup (p.Asp346fs)

Genes: CC2D2A (coiled-coil and C2 domain containing 2A; plus strand), FBXL5 (F-box and leucine rich repeat protein 5; minus strand). Cytogenetic location: 4p15.32.
Variant type: Duplication.
Coding change: c.1029_1036dup on transcript NM_001378615.1 (MANE Select); coding-DNA positions 1029 to 1036, 8 bases duplicated (GTTTGGAG; older notation c.1029_1036dupGTTTGGAG).
Protein change: p.Asp346fs; shifts the reading frame from aspartic acid 346.
Molecular consequence: frameshift variant.
Genome position (GRCh38, 1-based): chr4:15,516,636-15,516,643, GTTTGGAG duplicated; duplicating any 8 consecutive bases within chr4:15,516,635-15,516,643 gives the same sequence; the c. name uses the placement nearest the transcript's 3' end. VCF-style (leftmost placement, unchanged base first): chr4-15516634-T-TGGTTTGGA. GRCh37 (hg19) VCF-style: chr4-15518257-T-TGGTTTGGA.
Other names: c.1029_1036dup, p.Asp346fs (NM_001080522.2); c.882_889dup, p.Asp297fs (NM_001378617.1); short protein forms D297fs, D346fs.
Identifiers: ClinVar variation 5013965 (VCV005013965.1).
Genomic context (GRCh38, chr4:15,516,634, plus strand): 5'-TTTCTGTTCGATTAGAAGAAAATGTTGCCATTCCCTCTGCTTCATCTACAGGAAAGAAGA[T>TGGTTTGGA]GGTTTGGAGATGACGGCAGGATCCTAGCTCTGCCAAACCCCATCAAGCCATTTCCTTCAA-3'

ClinVar aggregate classification (germline): Pathogenic (1 of 4 stars; one submission).

Conditions:
Joubert syndrome and related disorders. Identifiers: Orphanet 140874, MedGen C5679612, MONDO:0015369.

Submission:

Myriad Genetics, Inc.
Classification: Pathogenic for Joubert syndrome and related disorders. Last evaluated: 2025-01-14. Review status: criteria provided, single submitter. Criteria: Myriad Autosomal Dominant, Autosomal Recessive and X-Linked Classification Criteria (2023). Collection method: clinical testing. Allele origin: unknown.
Comment: NM_001080522.2(CC2D2A):c.1029_1036dup8(D346Gfs*9) is expected to be pathogenic in the context of CC2D2A-related disorders. This variant is predicted to lead to an abnormal or absent protein product due to the creation of a premature termination codon in CC2D2A, a gene where loss-of-function variants are known to be pathogenic. Please note: this variant was assessed in the context of healthy population screening.